The following is an entry in ClinVar:

ClinVar aggregate classification (germline): Uncertain significance. Review status: criteria provided, multiple submitters, no conflicts (2 of 4 stars). 3 submissions from 3 submitters: Uncertain significance (3). Last evaluated 2024-09-09.

Allele frequency attached by ClinVar (database versions not stated): gnomAD exomes 0.00005; TOPMed 0.00006; gnomAD 0.00004; 1000 Genomes Project 30x 0.00016.
gnomAD v4.1: 28 of 1,540,670 alleles (0.0018%); highest among the groups gnomAD compares: Admixed American, 0.02%; no homozygotes.

Submissions (3):

GeneDx
Classification: Uncertain significance. Last evaluated: 2024-09-09. Review status: criteria provided, single submitter. Criteria: GeneDx Variant Classification Process June 2021. Collection method: clinical testing. Allele origin: germline. Affected: yes.
Comment: In silico analysis indicates that this missense variant does not alter protein structure/function; Has not been previously published as pathogenic or benign to our knowledge

Labcorp Genetics (formerly Invitae), Labcorp
Classification: Uncertain significance. Last evaluated: 2022-06-14. Review status: criteria provided, single submitter. Criteria: Invitae Variant Classification Sherloc (09022015). Collection method: clinical testing. Allele origin: germline.
Comment: This sequence change replaces valine, which is neutral and non-polar, with methionine, which is neutral and non-polar, at codon 917 of the OTOG protein (p.Val917Met). This variant is present in population databases (rs767006121, gnomAD 0.02%). This variant has not been reported in the literature in individuals affected with OTOG-related conditions. ClinVar contains an entry for this variant (Variation ID: 1326203). Algorithms developed to predict the effect of missense changes on protein structure and function output the following: SIFT: "Tolerated"; PolyPhen-2: "Benign"; Align-GVGD: "Class C0". The methionine amino acid residue is found in multiple mammalian species, which suggests that this missense change does not adversely affect protein function. In summary, the available evidence is currently insufficient to determine the role of this variant in disease. Therefore, it has been classified as a Variant of Uncertain Significance.

Blueprint Genetics
Classification: Uncertain significance. Last evaluated: 2019-08-21. Review status: criteria provided, single submitter. Criteria: ACMG Guidelines, 2015. Collection method: clinical testing. Allele origin: germline.

NM_001292063.2(OTOG):c.2713G>A (p.Val905Met)

Gene: OTOG (otogelin; plus strand). Cytogenetic location: 11p15.1.
Variant type: single nucleotide variant.
Coding change: c.2713G>A on transcript NM_001292063.2 (MANE Select); coding-DNA position 2713, G replaced by A.
Protein change: p.Val905Met; replaces valine 905 with methionine.
Molecular consequence: missense variant.
Genome position (GRCh38, 1-based): chr11:17,578,480, G>A. VCF-style: chr11-17578480-G-A. GRCh37 (hg19) VCF-style: chr11-17600027-G-A.
Other names: c.2749G>A, p.Val917Met (NM_001277269.2); short protein forms V905M, V917M.
Identifiers: ClinVar variation 1326203 (VCV001326203.8), dbSNP rs767006121, ClinGen allele CA218454463.
Genomic context (GRCh38, chr11:17,578,480, plus strand): 5'-CACACGGACCTGGAGCTGAGCAGGGAGAGGACGTGTGAGCAGCAACTGCTGAACCTGAGC[G>A]TGTCAGCCCGTGGCCCCTGCCTCTCGGGCTGCGCCTGTCCCCAGGGGTAAGTACCCATGG-3'
Protein context (NP_001278992.1, residues 895-915): TCEQQLLNLS[Val905Met]SARGPCLSGC